The following is an entry in ClinVar:

NM_000294.3(PHKG2):c.326+1G>C

Gene: PHKG2 (phosphorylase kinase catalytic subunit gamma 2; plus strand). Cytogenetic location: 16p11.2.
Variant type: single nucleotide variant.
Coding change: c.326+1G>C on transcript NM_000294.3 (MANE Select); the canonical splice donor site of the intron after coding-DNA position 326, G replaced by C.
Molecular consequence: splice donor variant.
Genome position (GRCh38, 1-based): chr16:30,751,604, G>C. VCF-style: chr16-30751604-G-C. GRCh37 (hg19) VCF-style: chr16-30762925-G-C.
Other names: c.326+1G>C (NM_001172432.2).
Identifiers: ClinVar variation 4871741 (VCV004871741.1).

ClinVar aggregate classification (germline): Pathogenic (1 of 4 stars; one submission).

Conditions:
Glycogen storage disease IXc (GSD9C). Also called: GSD IXc. Identifiers: Orphanet 264580, MedGen C2751643, MONDO:0013091, OMIM 613027.

Submission:

Laboratorio de Biologia Molecular - Genetica, Hospital de Pediatria Garrahan
Classification: Pathogenic for Glycogen storage disease IXc. Last evaluated: 2026-05-20. Review status: criteria provided, single submitter. Criteria: ACMG Guidelines, 2015. Collection method: clinical testing. Allele origin: germline. Affected: yes. Observed: 8 variant alleles.
Comment: This sequence change affects a donor splice site in intron 4 of the PHKG2 gene. It is expected to disrupt RNA splicing. Variants that disrupt the donor or acceptor splice site typically lead to a loss of protein function, and loss-of-function variants in PHKG2 are known to be pathogenic (PVS1). This variant is present in population databases with an extremely low frequency (gnomAD <0.001%) (PM2). This variant has not been reported in the literature in individuals affected with PHKG2-related conditions. Algorithms developed to predict the effect of sequence changes on RNA splicing suggest that this variant may disrupt the consensus splice site. This variant has been detected in homozygous state in 8 Argentinean patients (PM3). A different variant affecting the same nucleotide has been described (PMID: 9245685), in which RNA analysis confirmed the effect of the variant on RNA splicing (PS1_Supporting). Therefore, this variant has been classified as Pathogenic.